The following is an entry in ClinVar:

NM_033116.6(NEK9):c.1843C>T (p.Arg615Ter)

Gene: NEK9 (NIMA related kinase 9; minus strand). Cytogenetic location: 14q24.3.
Variant type: single nucleotide variant.
Coding change: c.1843C>T on transcript NM_033116.6 (MANE Select); coding-DNA position 1843, C replaced by T.
Protein change: p.Arg615Ter; replaces arginine 615 with a stop codon.
Molecular consequence: nonsense.
Genome position (GRCh38, 1-based): chr14:75,101,151, G>A on the plus strand (C>T on the coding strand, the complement: NEK9 is on the minus strand). VCF-style: chr14-75101151-G-A. GRCh37 (hg19) VCF-style: chr14-75567854-G-A.
Other names: c.1879C>T, p.Arg627Ter (NM_001329237.2); c.1489C>T, p.Arg497Ter (NM_001329238.2); short protein forms R497*, R615*, R627*.
Identifiers: ClinVar variation 1686761 (VCV001686761.3), dbSNP rs778413122, ClinGen allele CA7276817.

ClinVar aggregate classification (germline): Pathogenic (1 of 4 stars; one submission).

Allele frequency attached by ClinVar (database versions not stated): gnomAD 0.00002; ExAC 0.00002; gnomAD exomes 0.00001; TOPMed 0.00001.
gnomAD v4.1: 11 of 1,613,156 alleles (0.00068%); highest among the groups gnomAD compares: Admixed American, 0.0017%; no homozygotes.

Submission:

GeneDx
Classification: Pathogenic. Last evaluated: 2023-11-08. Review status: criteria provided, single submitter. Criteria: GeneDx Variant Classification Process June 2021. Collection method: clinical testing. Allele origin: germline.
Comment: Nonsense variant predicted to result in protein truncation or nonsense mediated decay in a gene for which loss of function is a known mechanism of disease; Not observed at significant frequency in large population cohorts (gnomAD); Has not been previously published as pathogenic or benign to our knowledge